The following is an entry in ClinVar:

NM_002941.4(ROBO1):c.1417G>A (p.Val473Ile)

Gene: ROBO1 (roundabout guidance receptor 1; minus strand). Cytogenetic location: 3p12.3.
Variant type: single nucleotide variant.
Coding change: c.1417G>A on transcript NM_002941.4 (MANE Select); coding-DNA position 1417, G replaced by A.
Protein change: p.Val473Ile; replaces valine 473 with isoleucine.
Molecular consequence: missense variant.
Genome position (GRCh38, 1-based): chr3:78,670,227, C>T on the plus strand (G>A on the coding strand, the complement: ROBO1 is on the minus strand). VCF-style: chr3-78670227-C-T. GRCh37 (hg19) VCF-style: chr3-78719377-C-T.
Other names: c.1309G>A, p.Val437Ile (NM_001145845.2, NM_133631.4); short protein forms V473I, V437I.
Identifiers: ClinVar variation 3650296 (VCV003650296.4).

ClinVar aggregate classification (germline): Uncertain significance. Review status: criteria provided, multiple submitters, no conflicts (2 of 4 stars). 2 submissions from 2 submitters: Uncertain significance (2). Last evaluated 2026-01-29.

Conditions:
Neurooculorenal syndrome (NORS). Identifiers: MedGen C5830377, MONDO:0957210, OMIM 620305.

gnomAD v4.1: 40 of 1,605,330 alleles (0.0025%); highest among the groups gnomAD compares: South Asian, 0.013%; no homozygotes.

Submissions (2):

Dasa
Classification: Uncertain significance for Neurooculorenal syndrome. Last evaluated: 2026-01-29. Review status: criteria provided, single submitter. Criteria: DASA Assertion Criteria. Collection method: clinical testing. Allele origin: germline.
Comment: NM_002941.4(ROBO1):c.1417G>A (p.Val473Ile) is a missense variant that results in the substitution of valine with isoleucine. This variant is rare in population databases. Computational prediction algorithms are consistent with a benign effect. The currently available literature and clinical evidence are not sufficient to establish a definitive association between this variant and the reported condition. Therefore, this variant is classified as a variant of uncertain significance.

Labcorp Genetics (formerly Invitae), Labcorp
Classification: Uncertain significance. Last evaluated: 2025-01-17. Review status: criteria provided, single submitter. Criteria: Invitae Variant Classification Sherloc (09022015). Collection method: clinical testing. Allele origin: germline.
Comment: This sequence change replaces valine, which is neutral and non-polar, with isoleucine, which is neutral and non-polar, at codon 473 of the ROBO1 protein (p.Val473Ile). This variant is present in population databases (rs778578401, gnomAD 0.01%). This variant has not been reported in the literature in individuals affected with ROBO1-related conditions. Invitae Evidence Modeling of protein sequence and biophysical properties (such as structural, functional, and spatial information, amino acid conservation, physicochemical variation, residue mobility, and thermodynamic stability) indicates that this missense variant is not expected to disrupt ROBO1 protein function with a negative predictive value of 95%. In summary, the available evidence is currently insufficient to determine the role of this variant in disease. Therefore, it has been classified as a Variant of Uncertain Significance.